The following is an entry in ClinVar:

NM_001127453.2(GSDME):c.1274ATG[1] (p.Asp426del)

Gene: GSDME (gasdermin E; minus strand). Cytogenetic location: 7p15.3.
Variant type: Microsatellite.
Coding change: c.1274ATG[1] on transcript NM_001127453.2 (MANE Select); one copy of the 3-base unit ATG starting at c.1274; the reference has two copies in a row; one copy, 3 bases deleted.
Protein change: p.Asp426del; deletes aspartic acid 426.
Molecular consequence: inframe deletion.
Genome position (GRCh38, 1-based): chr7:24,699,238-24,699,240, CAT deleted on the plus strand (ATG on the coding strand, the reverse complement: GSDME is on the minus strand); deleting any 3 consecutive bases within chr7:24,699,238-24,699,245 gives the same sequence; the position shown is the placement nearest the transcript's 3' end. VCF-style (leftmost placement, unchanged base first): chr7-24699237-CCAT-C. GRCh37 (hg19) VCF-style: chr7-24738856-CCAT-C.
Other names: c.1277_1279delATG (NM_004403.3); c.782ATG[1], p.Asp262del (NM_001127454.2); c.1274ATG[1], p.Asp426del (NM_004403.3); short protein forms D426del, D262del.
Identifiers: ClinVar variation 163032 (VCV000163032.17), dbSNP rs374353052, ClinGen allele CA175631.

ClinVar aggregate classification (germline): Benign/Likely benign. Review status: criteria provided, multiple submitters, no conflicts (2 of 4 stars). 4 submissions from 4 submitters: Benign (1); Likely benign (1). 2 of the submissions do not count toward it. Last evaluated 2025-12-18.

Conditions:
GSDME-related disorder. Also called: GSDME-related condition.
Autosomal dominant nonsyndromic hearing loss 5. Identifiers: Orphanet 90635, MedGen C1832932, MONDO:0010973, OMIM 600994.

Submissions (4):

Labcorp Genetics (formerly Invitae), Labcorp
Classification: Benign. Last evaluated: 2025-12-18. Review status: criteria provided, single submitter. Criteria: Invitae Variant Classification Sherloc (09022015). Collection method: clinical testing. Allele origin: germline.

Laboratory for Molecular Medicine, Mass General Brigham Personalized Medicine
Classification: Likely benign. Last evaluated: 2017-07-25. Review status: criteria provided, single submitter. Criteria: LMM Criteria. Collection method: clinical testing. Allele origin: germline. Observed: 3 variant alleles.
Comment: p.Asp426del in exon 10 of DFNA5: This variant is not expected to have clinical s ignificance because it has been identified in 0.5% (158/30778) of South Asian ch romosomes including 3 homozygotes by the Genome Aggregation Database (gnomAD; rs374353052).

PreventionGenetics, part of Exact Sciences
Classification: Benign for GSDME-related condition. Last evaluated: 2024-08-02. Review status: no assertion criteria provided. Collection method: clinical testing. Allele origin: germline. Not counted in ClinVar's aggregate classification.
Comment: This variant is classified as benign based on ACMG/AMP sequence variant interpretation guidelines (Richards et al. 2015 PMID: 25741868, with internal and published modifications).

Santos-Cortez Lab, University of Colorado School of Medicine
Classification: Likely pathogenic for Autosomal dominant nonsyndromic hearing loss 5. Last evaluated: 2019-01-17. Review status: flagged submission. Criteria: Submitter's publication. Collection method: research. Allele origin: germline. Inheritance: Autosomal dominant inheritance. Affected: yes. Not counted in ClinVar's aggregate classification.
ClinVar note: Reason: Outlier claim with insufficient supporting evidence